The following is an entry in ClinVar:

NM_004519.4(KCNQ3):c.2314G>T (p.Asp772Tyr)

Gene: KCNQ3 (potassium voltage-gated channel subfamily Q member 3; minus strand). Cytogenetic location: 8q24.22.
Variant type: single nucleotide variant.
Coding change: c.2314G>T on transcript NM_004519.4 (MANE Select); coding-DNA position 2314, G replaced by T.
Protein change: p.Asp772Tyr; replaces aspartic acid 772 with tyrosine.
Molecular consequence: missense variant.
Genome position (GRCh38, 1-based): chr8:132,129,567, C>A on the plus strand (G>T on the coding strand, the complement: KCNQ3 is on the minus strand). VCF-style: chr8-132129567-C-A. GRCh37 (hg19) VCF-style: chr8-133141814-C-A.
Other names: c.1954G>T, p.Asp652Tyr (NM_001204824.2); short protein forms D772Y, D652Y.
Identifiers: ClinVar variation 2911080 (VCV002911080.3), dbSNP rs2536857378, ClinGen allele CA372216153.
Genomic context (GRCh38, chr8:132,129,567, plus strand): 5'-GGGACAGAGGTGTGTCACTGTCTCGCGTGATGCTACGTCTCTGCCGGGGGGAGATTCGGT[C>A]CGAGTAGGGGCCCTGCAGGTCAGCCTGGGAGTGGCAGCTCACTCGGGAGTCGAGAAGAGT-3'
Protein context (NP_004510.1, residues 762-782): SQADLQGPYS[Asp772Tyr]RISPRQRRSI

ClinVar aggregate classification (germline): Uncertain significance (1 of 4 stars; one submission).

Conditions:
Benign neonatal seizures. Also called: Convulsions benign familial neonatal dominant form; Autosomal dominant form of benign neonatal seizures; Benign neonatal familial convulsions; Benign familial neonatal epilepsy; Benign familial neonatal seizures. Identifiers: Orphanet 1949, MedGen C0220669, MONDO:0016027.

Submission:

Labcorp Genetics (formerly Invitae), Labcorp
Classification: Uncertain significance for Benign neonatal seizures. Last evaluated: 2023-05-11. Review status: criteria provided, single submitter. Criteria: Invitae Variant Classification Sherloc (09022015). Collection method: clinical testing. Allele origin: germline.
Comment: In summary, the available evidence is currently insufficient to determine the role of this variant in disease. Therefore, it has been classified as a Variant of Uncertain Significance. Advanced modeling of protein sequence and biophysical properties (such as structural, functional, and spatial information, amino acid conservation, physicochemical variation, residue mobility, and thermodynamic stability) performed at Invitae indicates that this missense variant is not expected to disrupt KCNQ3 protein function. This variant has not been reported in the literature in individuals affected with KCNQ3-related conditions. This variant is not present in population databases (gnomAD no frequency). This sequence change replaces aspartic acid, which is acidic and polar, with tyrosine, which is neutral and polar, at codon 772 of the KCNQ3 protein (p.Asp772Tyr).